The following is an entry in ClinVar:

NM_006420.3(ARFGEF2):c.2071-11G>T

Gene: ARFGEF2 (ARF guanine nucleotide exchange factor 2; plus strand). Cytogenetic location: 20q13.13.
Variant type: single nucleotide variant.
Coding change: c.2071-11G>T on transcript NM_006420.3 (MANE Select); 11 bases into the intron before coding-DNA position 2071, G replaced by T.
Molecular consequence: intron variant.
Genome position (GRCh38, 1-based): chr20:48,985,397, G>T. VCF-style: chr20-48985397-G-T. GRCh37 (hg19) VCF-style: chr20-47601934-G-T.
Identifiers: ClinVar variation 1309761 (VCV001309761.2), dbSNP rs2123452886, ClinGen allele CA2573054877.

ClinVar aggregate classification (germline): Uncertain significance (1 of 4 stars; one submission).

Submission:

GeneDx
Classification: Uncertain significance. Last evaluated: 2019-10-25. Review status: criteria provided, single submitter. Criteria: GeneDx Variant Classification Process June 2021. Collection method: clinical testing. Allele origin: germline. Affected: yes.
Comment: Not observed in large population cohorts (Lek et al., 2016); Has not been previously published as pathogenic or benign to our knowledge; In-silico analysis, which includes splice predictors and evolutionary conservation, is inconclusive as to whether the variant alters gene splicing. In the absence of RNA/functional studies, the actual effect of this sequence change is unknown.